The following is an entry in ClinVar:

NM_003290.3(TPM4):c.272T>C (p.Met91Thr)

Gene: TPM4 (tropomyosin 4; plus strand). Cytogenetic location: 19p13.12.
Variant type: single nucleotide variant.
Coding change: c.272T>C on transcript NM_003290.3 (MANE Select); coding-DNA position 272, T replaced by C.
Protein change: p.Met91Thr; replaces methionine 91 with threonine.
Molecular consequence: missense variant.
Genome position (GRCh38, 1-based): chr19:16,086,428, T>C. VCF-style: chr19-16086428-T-C. GRCh37 (hg19) VCF-style: chr19-16197238-T-C.
Other names: p.Met127Thr; c.380T>C, p.Met127Thr (NM_001145160.2); c.332T>C, p.Met111Thr (NM_001367836.1); c.272T>C, p.Met91Thr (NM_001367837.2); c.263T>C, p.Met88Thr (NM_001367838.1); short protein forms M111T, M127T, M91T, M88T.
Identifiers: ClinVar variation 2334505 (VCV002334505.3), dbSNP rs114391121, ClinGen allele CA404587265.

ClinVar aggregate classification (germline): Uncertain significance. Review status: criteria provided, multiple submitters, no conflicts (2 of 4 stars). 2 submissions from 2 submitters: Uncertain significance (2). Last evaluated 2025-01-15.

gnomAD v4.1: 2 of 1,612,470 alleles (0.00012%); highest among the groups gnomAD compares: Admixed American, 0.0033%; no homozygotes.

Submissions (2):

Mayo Clinic Laboratories, Mayo Clinic
Classification: Uncertain significance. Last evaluated: 2025-01-15. Review status: criteria provided, single submitter. Criteria: ACMG Guidelines, 2015. Collection method: clinical testing. Allele origin: germline. Observed: 1 variant allele.
Comment: PP3_strong, PM2_supporting

Ambry Genetics
Classification: Uncertain significance. Last evaluated: 2022-12-13. Review status: criteria provided, single submitter. Criteria: Ambry Variant Classification Scheme 2023. Collection method: clinical testing. Allele origin: germline.